The following is an entry in ClinVar:

NM_001042492.3(NF1):c.1525del (p.Cys509fs)

Gene: NF1 (neurofibromin 1; plus strand). Cytogenetic location: 17q11.2.
Variant type: Deletion.
Coding change: c.1525del on transcript NM_001042492.3 (MANE Select); coding-DNA position 1525, one base deleted (T; older notation c.1525delT).
Protein change: p.Cys509fs; shifts the reading frame from cysteine 509.
Molecular consequence: frameshift variant.
Genome position (GRCh38, 1-based): chr17:31,214,583, T deleted; the last of 3 consecutive T bases (chr17:31,214,581-31,214,583); deleting any one gives the same sequence. VCF-style (leftmost placement, unchanged base first): chr17-31214580-CT-C. GRCh37 (hg19) VCF-style: chr17-29541598-CT-C.
Other names: c.1525delT (NM_000267.3); c.1525delT, p.Cys509Valfs (NM_000267.4); c.1525del, p.Cys509fs (NM_001128147.3); short protein forms C509fs.
Identifiers: ClinVar variation 579706 (VCV000579706.6), dbSNP rs1135402813, ClinGen allele CA891844353.

ClinVar aggregate classification (germline): Pathogenic. Review status: criteria provided, multiple submitters, no conflicts (2 of 4 stars). 2 submissions from 2 submitters: Pathogenic (2). Last evaluated 2025-05-12.

Conditions:
Neurofibromatosis, type 1 (NF1). Also called: Peripheral type neurofibromatosis; Neurofibromatosis, type I; VON RECKLINGHAUSEN DISEASE; NEUROFIBROMATOSIS, TYPE I, SOMATIC. Identifiers: Orphanet 636, MedGen C0027831, MONDO:0018975, OMIM 162200. Disease mechanism: loss of function.

Submissions (2):

GeneDx
Classification: Pathogenic. Last evaluated: 2025-05-12. Review status: criteria provided, single submitter. Criteria: GeneDx Variant Classification Process June 2021. Collection method: clinical testing. Allele origin: germline. Affected: yes.
Comment: Frameshift variant predicted to result in protein truncation or nonsense mediated decay in a gene for which loss of function is a known mechanism of disease; Not observed at significant frequency in large population cohorts (gnomAD); This variant is associated with the following publications: (PMID: 16835897)

Labcorp Genetics (formerly Invitae), Labcorp
Classification: Pathogenic for Neurofibromatosis, type 1. Last evaluated: 2023-10-07. Review status: criteria provided, single submitter. Criteria: Invitae Variant Classification Sherloc (09022015). Collection method: clinical testing. Allele origin: germline.
Comment: This sequence change creates a premature translational stop signal (p.Cys509Valfs*17) in the NF1 gene. It is expected to result in an absent or disrupted protein product. Loss-of-function variants in NF1 are known to be pathogenic (PMID: 10712197, 23913538). This variant is not present in population databases (gnomAD no frequency). This premature translational stop signal has been observed in individual(s) with neurofibromatosis type 1 (PMID: 16835897). This variant is also known as p.Leu508fs. ClinVar contains an entry for this variant (Variation ID: 579706). For these reasons, this variant has been classified as Pathogenic.

Literature cited by the submitters: PubMed 10712197 (cited by Labcorp Genetics (formerly Invitae), Labcorp); PubMed 23913538 (cited by Labcorp Genetics (formerly Invitae), Labcorp); PubMed 16835897 (cited by Labcorp Genetics (formerly Invitae), Labcorp).